The following is an entry in ClinVar:

ClinVar aggregate classification (germline): Uncertain significance (1 of 4 stars; one submission).

Conditions:
Usher syndrome type 3B. Also called: USHER SYNDROME, TYPE IIIB. Identifiers: MedGen C3281066, MONDO:0013788, OMIM 614504.

Allele frequency attached by ClinVar (database versions not stated): gnomAD exomes 0.00001.

Submission:

Labcorp Genetics (formerly Invitae), Labcorp
Classification: Uncertain significance for Usher syndrome type 3B. Last evaluated: 2025-01-25. Review status: criteria provided, single submitter. Criteria: Invitae Variant Classification Sherloc (09022015). Collection method: clinical testing. Allele origin: germline.
Comment: This sequence change replaces valine, which is neutral and non-polar, with methionine, which is neutral and non-polar, at codon 357 of the HARS protein (p.Val357Met). This variant is present in population databases (no rsID available, gnomAD 0.007%). This variant has not been reported in the literature in individuals affected with HARS-related conditions. ClinVar contains an entry for this variant (Variation ID: 1041163). Invitae Evidence Modeling of protein sequence and biophysical properties (such as structural, functional, and spatial information, amino acid conservation, physicochemical variation, residue mobility, and thermodynamic stability) has been performed for this missense variant. However, the output from this modeling did not meet the statistical confidence thresholds required to predict the impact of this variant on HARS protein function. In summary, the available evidence is currently insufficient to determine the role of this variant in disease. Therefore, it has been classified as a Variant of Uncertain Significance.

NM_002109.6(HARS1):c.1069G>A (p.Val357Met)

Gene: HARS1 (histidyl-tRNA synthetase 1; minus strand). Cytogenetic location: 5q31.3.
Variant type: single nucleotide variant.
Coding change: c.1069G>A on transcript NM_002109.6 (MANE Select); coding-DNA position 1069, G replaced by A.
Protein change: p.Val357Met; replaces valine 357 with methionine.
Molecular consequence: missense variant.
Genome position (GRCh38, 1-based): chr5:140,676,779, C>T on the plus strand (G>A on the coding strand, the complement: HARS1 is on the minus strand). VCF-style: chr5-140676779-C-T. GRCh37 (hg19) VCF-style: chr5-140056364-C-T.
Other names: c.949G>A, p.Val317Met (NM_001258040.3); c.1009G>A, p.Val337Met (NM_001258041.3); c.889G>A, p.Val297Met (NM_001258042.3); c.847G>A, p.Val283Met (NM_001289092.2); c.727G>A, p.Val243Met (NM_001289093.2); c.982G>A, p.Val328Met (NM_001289094.2); short protein forms V283M, V357M, V243M, V297M, V317M, V328M, V337M.
Identifiers: ClinVar variation 1041163 (VCV001041163.10), dbSNP rs1210579780, ClinGen allele CA361251389.